The following is an entry in ClinVar:

NM_003982.4(SLC7A7):c.1395del (p.Glu465fs)

Gene: SLC7A7 (solute carrier family 7 member 7; minus strand). Cytogenetic location: 14q11.2.
Variant type: Deletion.
Coding change: c.1395del on transcript NM_003982.4 (MANE Select); coding-DNA position 1395, one base deleted (A; older notation c.1395delA).
Protein change: p.Glu465fs; shifts the reading frame from glutamic acid 465.
Molecular consequence: frameshift variant.
Genome position (GRCh38, 1-based): chr14:22,773,967, T deleted on the plus strand (A on the coding strand, the reverse complement: SLC7A7 is on the minus strand); the first of 2 consecutive T bases (chr14:22,773,967-22,773,968); deleting either gives the same sequence. VCF-style (leftmost placement, unchanged base first): chr14-22773966-GT-G. GRCh37 (hg19) VCF-style: chr14-23243175-GT-G.
Other names: c.1395delA (NM_001126106.2); c.1395del, p.Glu465fs (NM_001126105.3, NM_001126106.4); short protein forms E465fs.
Identifiers: ClinVar variation 579224 (VCV000579224.16), dbSNP rs1290445670, ClinGen allele CA704242916.

ClinVar aggregate classification (germline): Pathogenic/Likely pathogenic. Review status: criteria provided, multiple submitters, no conflicts (2 of 4 stars). 3 submissions from 3 submitters: Pathogenic (1); Likely pathogenic (2). Last evaluated 2025-05-27.

Conditions:
Lysinuric protein intolerance (LPI). Identifiers: Orphanet 470, MedGen C0268647, MONDO:0009109, OMIM 222700.

Submissions (3):

Natera, Inc.
Classification: Likely pathogenic for Lysinuric protein intolerance. Last evaluated: 2025-05-27. Review status: criteria provided, single submitter. Criteria: Natera Variant Classification Schema (03/2026). Collection method: clinical testing. Allele origin: germline.
Comment: The c.1395delA variant in SLC7A7 is a frameshift variant predicted to elongate the protein beyond the termination codon. This variant is expected to result in nonsense mediated decay, truncation, or a dysfunctional protein product. This variant is rare in the general population with a frequency below the threshold expected for the associated phenotype(s). Given the available evidence, this variant is classified as Likely Pathogenic.

Labcorp Genetics (formerly Invitae), Labcorp
Classification: Pathogenic for Lysinuric protein intolerance. Last evaluated: 2024-03-27. Review status: criteria provided, single submitter. Criteria: Invitae Variant Classification Sherloc (09022015). Collection method: clinical testing. Allele origin: germline.
Comment: This sequence change results in a frameshift in the SLC7A7 gene (p.Glu465Aspfs*54). While this is not anticipated to result in nonsense mediated decay, it is expected to disrupt the last 47 amino acid(s) of the SLC7A7 protein. This variant is not present in population databases (gnomAD no frequency). This variant has been observed in individual(s) with lysinuric protein intolerance (Invitae). In at least one individual the data is consistent with being in trans (on the opposite chromosome) from a pathogenic variant. ClinVar contains an entry for this variant (Variation ID: 579224). This variant results in an extension of the SLC7A7 protein. Other variant(s) that result in a similarly extended protein product (p.Cys487Leufs*32) have been determined to be pathogenic (PMID: 10655553). This suggests that these extensions are likely to be disease-causing. For these reasons, this variant has been classified as Pathogenic.

Fulgent Genetics
Classification: Likely pathogenic for Lysinuric protein intolerance. Last evaluated: 2024-01-11. Review status: criteria provided, single submitter. Criteria: ACMG Guidelines, 2015. Collection method: clinical testing. Allele origin: germline.

Literature cited by the submitters: PubMed 10655553 (cited by Labcorp Genetics (formerly Invitae), Labcorp).